The following is an entry in ClinVar:

ClinVar aggregate classification (germline): Uncertain significance (1 of 4 stars; one submission).

Allele frequency attached by ClinVar (database versions not stated): gnomAD exomes 0.00001; TOPMed 0.00003; gnomAD 0.00005; ExAC 0.00007; 1000 Genomes Project 0.00060; 1000 Genomes Project 30x 0.00062.

Submission:

Labcorp Genetics (formerly Invitae), Labcorp
Classification: Uncertain significance. Last evaluated: 2025-11-21. Review status: criteria provided, single submitter. Criteria: Invitae Variant Classification Sherloc (09022015). Collection method: clinical testing. Allele origin: germline.
Comment: This sequence change replaces threonine, which is neutral and polar, with alanine, which is neutral and non-polar, at codon 236 of the SIX5 protein (p.Thr236Ala). This variant is present in population databases (rs374362894, gnomAD 0.06%), and has an allele count higher than expected for a pathogenic variant. This variant has not been reported in the literature in individuals affected with SIX5-related conditions. ClinVar contains an entry for this variant (Variation ID: 1983829). Invitae Evidence Modeling of protein sequence and biophysical properties (such as structural, functional, and spatial information, amino acid conservation, physicochemical variation, residue mobility, and thermodynamic stability) indicates that this missense variant is not expected to disrupt SIX5 protein function with a negative predictive value of 80%. In summary, the available evidence is currently insufficient to determine the role of this variant in disease. Therefore, it has been classified as a Variant of Uncertain Significance.

NM_175875.5(SIX5):c.706A>G (p.Thr236Ala)

Genes: DM1-AS (DM1 locus antisense RNA; plus strand), SIX5 (SIX homeobox 5; minus strand), LOC107075317 (origin of replication in DMPK trinucleotide repeat region; plus strand). Cytogenetic location: 19q13.32.
Variant type: single nucleotide variant.
Coding change: c.706A>G on transcript NM_175875.5 (MANE Select); coding-DNA position 706, A replaced by G.
Protein change: p.Thr236Ala; replaces threonine 236 with alanine.
Molecular consequence: missense variant.
Genome position (GRCh38, 1-based): chr19:45,768,139, T>C on the plus strand (A>G on the coding strand, the complement: SIX5 is on the minus strand). VCF-style: chr19-45768139-T-C. GRCh37 (hg19) VCF-style: chr19-46271397-T-C.
Other names: short protein forms T236A.
Identifiers: ClinVar variation 1983829 (VCV001983829.4), dbSNP rs374362894, ClinGen allele CA9520791.